The following is an entry in ClinVar:

ClinVar aggregate classification (germline): Uncertain significance. Review status: criteria provided, multiple submitters, no conflicts (2 of 4 stars). 2 submissions from 2 submitters: Uncertain significance (2). Last evaluated 2023-08-21.

Allele frequency attached by ClinVar (database versions not stated): TOPMed below 0.00001; gnomAD 0.00001.
gnomAD v4.1: 2 of 1,612,044 alleles (0.00012%); highest among the groups gnomAD compares: African/African-American, 0.0013%; no homozygotes.

Submissions (2):

Blueprint Genetics
Classification: Uncertain significance. Last evaluated: 2023-08-21. Review status: criteria provided, single submitter. Criteria: ACMG Guidelines, 2015. Collection method: clinical testing. Allele origin: germline.

Labcorp Genetics (formerly Invitae), Labcorp
Classification: Uncertain significance. Last evaluated: 2022-04-19. Review status: criteria provided, single submitter. Criteria: Invitae Variant Classification Sherloc (09022015). Collection method: clinical testing. Allele origin: germline.
Comment: Algorithms developed to predict the effect of missense changes on protein structure and function are either unavailable or do not agree on the potential impact of this missense change (SIFT: "Tolerated"; PolyPhen-2: "Possibly Damaging"; Align-GVGD: "Class C0"). This variant has not been reported in the literature in individuals affected with TRAF3IP1-related conditions. This variant is present in population databases (no rsID available, gnomAD 0.01%). This sequence change replaces alanine, which is neutral and non-polar, with threonine, which is neutral and polar, at codon 629 of the TRAF3IP1 protein (p.Ala629Thr). In summary, the available evidence is currently insufficient to determine the role of this variant in disease. Therefore, it has been classified as a Variant of Uncertain Significance.

NM_015650.4(IFT54):c.1885G>A (p.Ala629Thr)

Gene: IFT54 (intraflagellar transport 54; plus strand). Cytogenetic location: 2q37.3.
Variant type: single nucleotide variant.
Coding change: c.1885G>A on transcript NM_015650.4 (MANE Select); coding-DNA position 1885, G replaced by A.
Protein change: p.Ala629Thr; replaces alanine 629 with threonine.
Molecular consequence: missense variant.
Genome position (GRCh38, 1-based): chr2:238,397,654, G>A. VCF-style: chr2-238397654-G-A. GRCh37 (hg19) VCF-style: chr2-239306295-G-A.
Other names: c.1687G>A, p.Ala563Thr (NM_001139490.1); short protein forms A563T, A629T.
Identifiers: ClinVar variation 2128163 (VCV002128163.5), dbSNP rs1175339243, ClinGen allele CA351246771.